The following is an entry in ClinVar:

NM_000023.4(SGCA):c.90A>G (p.Pro30=)

Gene: SGCA (sarcoglycan alpha; plus strand). Cytogenetic location: 17q21.33.
Variant type: single nucleotide variant.
Coding change: c.90A>G on transcript NM_000023.4 (MANE Select); coding-DNA position 90, A replaced by G.
Protein change: p.Pro30=; no amino-acid change (proline 30 retained).
Molecular consequence: synonymous variant. On other transcripts: non-coding transcript variant (1).
Genome position (GRCh38, 1-based): chr17:50,167,420, A>G. VCF-style: chr17-50167420-A-G. GRCh37 (hg19) VCF-style: chr17-48244781-A-G.
Other names: c.90A>G (NM_000023.3); c.90A>G, p.Pro30= (NM_001135697.3).
Identifiers: ClinVar variation 734472 (VCV000734472.12), dbSNP rs754840688, ClinGen allele CA8643692.
Genomic context (GRCh38, chr17:50,167,420, plus strand): 5'-CCCCACAGTTCTCCTGGCAGGGCTGGGGGACACCGAGGCCCAGCAGACCACGCTACACCC[A>G]CTTGTGGGCCGTGTCTTTGTGCACACCTTGGACCATGAGACGTTTCTGAGCCTTCCTGAG-3'
Protein context (NP_000014.1, residues 20-40): DTEAQQTTLH[Pro30=]LVGRVFVHTL

ClinVar aggregate classification (germline): Likely benign. Review status: criteria provided, multiple submitters, no conflicts (2 of 4 stars). 3 submissions from 3 submitters: Likely benign (2). 1 of the submissions does not count toward it. Last evaluated 2025-10-28.

Conditions:
Autosomal recessive limb-girdle muscular dystrophy type 2D (LGMDR3). Also called: DUCHENNE-LIKE AUTOSOMAL RECESSIVE MUSCULAR DYSTROPHY, TYPE 2; ADHALINOPATHY, PRIMARY; MUSCULAR DYSTROPHY, LIMB-GIRDLE, AUTOSOMAL RECESSIVE 3. Identifiers: Orphanet 62, MedGen C2936332, MONDO:0011968, OMIM 608099. Disease mechanism: Affects gamma-sarcoglycan and also disrupts the integrity of the entire sarcoglycan complex..

Allele frequency attached by ClinVar (database versions not stated): ExAC 0.00001; gnomAD exomes 0.00001 and 0.00005; TOPMed 0.00003; gnomAD 0.00004 and 0.00005; 1000 Genomes Project 30x 0.00031.
gnomAD v4.1: 79 of 1,613,936 alleles (0.0049%); highest among the groups gnomAD compares: South Asian, 0.021%; no homozygotes.

Submissions (3):

Athena Diagnostics
Classification: Likely benign. Last evaluated: 2025-10-28. Review status: criteria provided, single submitter. Criteria: Athena Diagnostics Criteria. Collection method: clinical testing. Allele origin: unknown.
Comment: Computational tools yielded predictions that this variant is unlikely to have an effect on normal RNA splicing. This nucleotide position exhibits low evolutionary conservation.

Labcorp Genetics (formerly Invitae), Labcorp
Classification: Likely benign for Autosomal recessive limb-girdle muscular dystrophy type 2D. Last evaluated: 2023-10-16. Review status: criteria provided, single submitter. Criteria: Invitae Variant Classification Sherloc (09022015). Collection method: clinical testing. Allele origin: germline.

Natera, Inc.
Classification: Uncertain significance for Limb-girdle muscular dystrophy type 2D. Last evaluated: 2020-01-24. Review status: no assertion criteria provided. Collection method: clinical testing. Allele origin: germline. Not counted in ClinVar's aggregate classification.